The following is an entry in ClinVar:

ClinVar aggregate classification (germline): Conflicting classifications of pathogenicity. Review status: criteria provided, conflicting classifications (1 of 4 stars). 5 submissions from 5 submitters: Uncertain significance (1); Benign (1); Likely benign (2). 1 of the submissions does not count toward it. Last evaluated 2026-05-11.

Conditions:
Bardet-Biedl syndrome 20. Identifiers: MedGen C4310707, MONDO:0023670, OMIM 619471, MONDO:0014926.
Short-rib thoracic dysplasia 10 with or without polydactyly (SRTD10). Identifiers: Orphanet 474, MedGen C3810175, MONDO:0014284, OMIM 615630.
Retinitis pigmentosa 71 (RP71). Identifiers: Orphanet 791, MedGen C4225342, MONDO:0014618, OMIM 616394.
IFT172-related disorder. Also called: IFT172-related condition; IFT172-related disorders.

Allele frequency attached by ClinVar (database versions not stated): TOPMed 0.00002; gnomAD 0.00010; ExAC 0.00039; 1000 Genomes Project 0.00040; 1000 Genomes Project 30x 0.00047.
gnomAD v4.1: 251 of 1,614,150 alleles (0.016%); highest among the groups gnomAD compares: South Asian, 0.26%; 1 homozygote.

Submissions (5):

GeneDx
Classification: Uncertain significance. Last evaluated: 2026-05-11. Review status: criteria provided, single submitter. Criteria: GeneDx Variant Classification Process June 2021. Collection method: clinical testing. Allele origin: germline.
Comment: In silico analysis supports that this missense variant has a deleterious effect on protein structure/function; Has not been previously published as pathogenic or benign to our knowledge

Labcorp Genetics (formerly Invitae), Labcorp
Classification: Likely benign for Retinitis pigmentosa 71; Short-rib thoracic dysplasia 10 with or without polydactyly. Last evaluated: 2025-07-28. Review status: criteria provided, single submitter. Criteria: Invitae Variant Classification Sherloc (09022015). Collection method: clinical testing. Allele origin: germline.

Blueprint Genetics
Classification: Benign. Last evaluated: 2024-04-30. Review status: criteria provided, single submitter. Criteria: ACMG Guidelines, 2015. Collection method: clinical testing. Allele origin: germline.

Fulgent Genetics
Classification: Likely benign for Short-rib thoracic dysplasia 10 with or without polydactyly; Retinitis pigmentosa 71; Bardet-Biedl syndrome 20. Last evaluated: 2021-07-13. Review status: criteria provided, single submitter. Criteria: ACMG Guidelines, 2015. Collection method: clinical testing. Allele origin: unknown.

PreventionGenetics, part of Exact Sciences
Classification: Likely benign for IFT172-related condition. Last evaluated: 2022-08-29. Review status: no assertion criteria provided. Collection method: clinical testing. Allele origin: germline. Not counted in ClinVar's aggregate classification.
Comment: This variant is classified as likely benign based on ACMG/AMP sequence variant interpretation guidelines (Richards et al. 2015 PMID: 25741868, with internal and published modifications).

NM_015662.3(IFT172):c.4593C>G (p.Phe1531Leu)

Gene: IFT172 (intraflagellar transport 172; minus strand). Cytogenetic location: 2p23.3.
Variant type: single nucleotide variant.
Coding change: c.4593C>G on transcript NM_015662.3 (MANE Select); coding-DNA position 4593, C replaced by G.
Protein change: p.Phe1531Leu; replaces phenylalanine 1531 with leucine.
Molecular consequence: missense variant.
Genome position (GRCh38, 1-based): chr2:27,447,581, G>C on the plus strand (C>G on the coding strand, the complement: IFT172 is on the minus strand). VCF-style: chr2-27447581-G-C. GRCh37 (hg19) VCF-style: chr2-27670448-G-C.
Other names: c.4593C>G (NM_015662.2); short protein forms F1531L.
Identifiers: ClinVar variation 1107886 (VCV001107886.14), dbSNP rs540171862, ClinGen allele CA1579548.